The following is an entry in ClinVar:

NM_144997.7(FLCN):c.1203dup (p.Ile402fs)

Gene: FLCN (folliculin; minus strand). Cytogenetic location: 17p11.2.
Variant type: Duplication.
Coding change: c.1203dup on transcript NM_144997.7 (MANE Select); coding-DNA position 1203, one base duplicated (C; older notation c.1203dupC).
Protein change: p.Ile402fs; shifts the reading frame from isoleucine 402.
Molecular consequence: frameshift variant.
Genome position (GRCh38, 1-based): chr17:17,216,477, G duplicated on the plus strand (C on the coding strand, the reverse complement: FLCN is on the minus strand). VCF-style (leftmost placement, unchanged base first): chr17-17216476-T-TG. GRCh37 (hg19) VCF-style: chr17-17119790-T-TG.
Other names: c.1203dup (LRG_325t1, NM_144997.5); c.1257dup, p.Ile420fs (NM_001353229.2); c.1203dup, p.Ile402fs (NM_001353230.2, NM_001353231.2); short protein forms I402fs, I420fs.
Identifiers: ClinVar variation 96473 (VCV000096473.17), dbSNP rs398124526, ClinGen allele CA224153.

ClinVar aggregate classification (germline): Pathogenic. Review status: criteria provided, multiple submitters, no conflicts (2 of 4 stars). 6 submissions from 5 submitters: Pathogenic (5). 1 of the submissions does not count toward it. Last evaluated 2024-02-12.

Conditions:
Hereditary cancer-predisposing syndrome. Also called: Hereditary Cancer Syndrome; Neoplastic Syndromes, Hereditary; Hereditary neoplastic syndrome; Tumor predisposition. Identifiers: Orphanet 140162, MedGen C0027672, MeSH D009386, MONDO:0015356.
Familial spontaneous pneumothorax (PSP). Identifiers: Orphanet 2903, MedGen C1868193, MONDO:0008259, OMIM 173600.
Birt-Hogg-Dube syndrome. Also called: Birt Hogg Dubé syndrome. Identifiers: Orphanet 122, MedGen C0346010, MONDO:0800444.

Allele frequency attached by ClinVar (database versions not stated): gnomAD exomes below 0.00001; ExAC 0.00001.

Submissions (6):

Ambry Genetics
Classification: Pathogenic for Hereditary cancer-predisposing syndrome. Last evaluated: 2024-02-12. Review status: criteria provided, single submitter. Criteria: Ambry Variant Classification Scheme 2023. Collection method: clinical testing. Allele origin: germline.
Comment: The c.1203dupC pathogenic mutation, located in coding exon 8 of the FLCN gene, results from a duplication of C at nucleotide position 1203, causing a translational frameshift with a predicted alternate stop codon (p.I402Hfs*54). This alteration is expected to result in loss of function by premature protein truncation or nonsense-mediated mRNA decay. As such, this alteration is interpreted as a disease-causing mutation.

Baylor Genetics
Classification: Pathogenic for Birt-Hogg-Dube syndrome 1. Last evaluated: 2023-11-15. Review status: criteria provided, single submitter. Criteria: ACMG Guidelines, 2015. Collection method: clinical testing. Allele origin: unknown.

Labcorp Genetics (formerly Invitae), Labcorp
Classification: Pathogenic for Birt-Hogg-Dube syndrome. Last evaluated: 2022-08-20. Review status: criteria provided, single submitter. Criteria: Invitae Variant Classification Sherloc (09022015). Collection method: clinical testing. Allele origin: germline.
Comment: ClinVar contains an entry for this variant (Variation ID: 96473). This variant has not been reported in the literature in individuals affected with FLCN-related conditions. This variant is present in population databases (rs398124526, gnomAD 0.003%). This sequence change creates a premature translational stop signal (p.Ile402Hisfs*54) in the FLCN gene. It is expected to result in an absent or disrupted protein product. Loss-of-function variants in FLCN are known to be pathogenic (PMID: 15852235). For these reasons, this variant has been classified as Pathogenic.

Baylor Genetics
Classification: Pathogenic for Familial spontaneous pneumothorax. Last evaluated: 2020-01-07. Review status: criteria provided, single submitter. Criteria: ACMG Guidelines, 2015. Collection method: clinical testing. Allele origin: maternal. Affected: yes. Study: CSER-TexasKidsCanSeq.
Comment: This variant was determined to be pathogenic according to ACMG Guidelines, 2015 [PMID:25741868].

GeneDx
Classification: Pathogenic. Last evaluated: 2015-08-14. Review status: criteria provided, single submitter. Criteria: GeneDx Variant Classification (06012015). Collection method: clinical testing. Allele origin: germline. Affected: yes.
Comment: The c.1203dupC variant in the FLCN gene causes a frameshift starting with codon Isoleucine 402, changes this amino acid to a Histidine residue and creates a premature Stop codon at position 54 of the new reading frame, denoted p.Ile402HisfsX54. This variant is predicted to cause loss of normal protein function either through protein truncation or nonsense-mediated mRNA decay.

Eurofins Ntd Llc (ga)
Classification: Pathogenic. Last evaluated: 2013-02-28. Review status: no assertion criteria provided. Collection method: clinical testing. Allele origin: germline. Observed: 4 variant alleles, 4 heterozygotes. Not counted in ClinVar's aggregate classification.

Literature cited by the submitters: PubMed 15852235 (cited by Labcorp Genetics (formerly Invitae), Labcorp); PubMed 23757202 (cited by Eurofins Ntd Llc (ga)).